The following is an entry in ClinVar:

NM_000535.7(PMS2):c.157A>C (p.Asn53His)

Gene: PMS2 (PMS1 homolog 2, mismatch repair system component; minus strand). Cytogenetic location: 7p22.1.
Variant type: single nucleotide variant.
Coding change: c.157A>C on transcript NM_000535.7 (MANE Select); coding-DNA position 157, A replaced by C.
Protein change: p.Asn53His; replaces asparagine 53 with histidine.
Molecular consequence: missense variant. On other transcripts: 5 prime UTR variant (8), non-coding transcript variant (1), intron variant (3).
Genome position (GRCh38, 1-based): chr7:6,005,898, T>G on the plus strand (A>C on the coding strand, the complement: PMS2 is on the minus strand). VCF-style: chr7-6005898-T-G. GRCh37 (hg19) VCF-style: chr7-6045529-T-G.
Other names: c.-249A>C (NM_001018040.1, NM_001322003.2, NM_001322005.2 and 11 more transcripts); c.157A>C, p.Asn53His (NM_001322006.2, NM_001322014.2, NM_001406868.1 and 10 more transcripts); c.-59A>C (NM_001322007.2, NM_001406876.1, NM_001406883.1 and 4 more transcripts); c.-728A>C (NM_001322011.2, NM_001322012.2); c.-328A>C (NM_001322015.2, NM_001406875.1, NM_001406877.1 and 2 more transcripts); c.343A>C, p.Asn115His (NM_001406866.1); c.-275A>C (NM_001406880.1); c.-196A>C (NM_001406888.1, NM_001406889.1, NM_001406892.1 and 5 more transcripts); and 4 more; short protein forms N53H, N115H.
Identifiers: ClinVar variation 2108544 (VCV002108544.4), dbSNP rs1554306309, ClinGen allele CA366744958.
Genomic context (GRCh38, chr7:6,005,898, plus strand): 5'-CTACAACAACATTCACAGATCATTTCTTGTGGCTTAAAACTCTCCCAAACTTACCAATAT[T>G]AGTGGCACCAGCATCCAGACTGTTTTCTACTAACTCCTTTACCGCAGTGCTTAGACTCAG-3'
Protein context (NP_000526.2, residues 43-63): VENSLDAGAT[Asn53His]IDLKLKDYGV

ClinVar aggregate classification (germline): Uncertain significance (1 of 4 stars; one submission).

Conditions:
Hereditary nonpolyposis colorectal neoplasms. Identifiers: MedGen C0009405, MeSH D003123.

Submission:

Labcorp Genetics (formerly Invitae), Labcorp
Classification: Uncertain significance for Hereditary nonpolyposis colorectal neoplasms. Last evaluated: 2022-03-10. Review status: criteria provided, single submitter. Criteria: Invitae Variant Classification Sherloc (09022015). Collection method: clinical testing. Allele origin: germline.
Comment: This variant has not been reported in the literature in individuals affected with PMS2-related conditions. In summary, the available evidence is currently insufficient to determine the role of this variant in disease. Therefore, it has been classified as a Variant of Uncertain Significance. Advanced modeling of protein sequence and biophysical properties (such as structural, functional, and spatial information, amino acid conservation, physicochemical variation, residue mobility, and thermodynamic stability) performed at Invitae indicates that this missense variant is not expected to disrupt PMS2 protein function. This variant is not present in population databases (gnomAD no frequency). This sequence change replaces asparagine, which is neutral and polar, with histidine, which is basic and polar, at codon 53 of the PMS2 protein (p.Asn53His).